The following is an entry in ClinVar:

ClinVar aggregate classification (germline): Uncertain significance (1 of 4 stars; one submission).

Conditions:
CHARGE syndrome (CHARGE). Also called: Hittner Hirsch Kreh syndrome; CHARGE ASSOCIATION--COLOBOMA, HEART ANOMALY, CHOANAL ATRESIA, RETARDATION, GENITAL AND EAR ANOMALIES; Coloboma, heart anomaly, choanal atresia, retardation, genital and ear anomalies; CHARGE association; Hall-Hittner syndrome. Identifiers: Orphanet 138, MedGen C0265354, MONDO:0008965.

gnomAD v4.1: 1 of 1,569,856 alleles (0.000064%); highest among the groups gnomAD compares: Non-Finnish European, 0.000086%; no homozygotes.

Submission:

Labcorp Genetics (formerly Invitae), Labcorp
Classification: Uncertain significance for CHARGE syndrome. Last evaluated: 2020-11-23. Review status: criteria provided, single submitter. Criteria: Invitae Variant Classification Sherloc (09022015). Collection method: clinical testing. Allele origin: germline.
Comment: This sequence change replaces lysine with glutamic acid at codon 669 of the CHD7 protein (p.Lys669Glu). The lysine residue is highly conserved and there is a small physicochemical difference between lysine and glutamic acid. This variant is not present in population databases (ExAC no frequency). This variant has not been reported in the literature in individuals with CHD7-related conditions. Advanced modeling of protein sequence and biophysical properties (such as structural, functional, and spatial information, amino acid conservation, physicochemical variation, residue mobility, and thermodynamic stability) performed at Invitae indicates that this missense variant is not expected to disrupt CHD7 protein function. In summary, the available evidence is currently insufficient to determine the role of this variant in disease. Therefore, it has been classified as a Variant of Uncertain Significance.

NM_017780.4(CHD7):c.2005A>G (p.Lys669Glu)

Genes: CHD7 (chromodomain helicase DNA binding protein 7; plus strand), LOC126860403 (CDK7 strongly-dependent group 2 enhancer GRCh37_chr8:61693034-61694233; plus strand). Cytogenetic location: 8q12.2.
Variant type: single nucleotide variant.
Coding change: c.2005A>G on transcript NM_017780.4 (MANE Select); coding-DNA position 2005, A replaced by G.
Protein change: p.Lys669Glu; replaces lysine 669 with glutamic acid.
Molecular consequence: missense variant. On other transcripts: intron variant (1).
Genome position (GRCh38, 1-based): chr8:60,781,339, A>G. VCF-style: chr8-60781339-A-G. GRCh37 (hg19) VCF-style: chr8-61693898-A-G.
Other names: c.1716+289A>G (NM_001316690.1); short protein forms K669E.
Identifiers: ClinVar variation 1363786 (VCV001363786.9), dbSNP rs2150670002, ClinGen allele CA371313366.